The following is an entry in ClinVar:

NM_001368894.2(PAX6):c.417del (p.Val140fs)

Gene: PAX6 (paired box 6; minus strand). Cytogenetic location: 11p13.
Variant type: Deletion.
Coding change: c.417del on transcript NM_001368894.2 (MANE Select); coding-DNA position 417, one base deleted (A; older notation c.417delA).
Protein change: p.Val140fs; shifts the reading frame from valine 140.
Molecular consequence: frameshift variant. On other transcripts: 5 prime UTR variant (14), non-coding transcript variant (2).
Genome position (GRCh38, 1-based): chr11:31,800,839, T deleted on the plus strand (A on the coding strand, the reverse complement: PAX6 is on the minus strand). VCF-style (leftmost placement, unchanged base first): chr11-31800838-CT-C. GRCh37 (hg19) VCF-style: chr11-31822386-CT-C.
Other names: c.417del, p.Val140fs (NM_001258463.2, NM_001258462.3, NM_001368892.2 and 6 more transcripts); c.375del, p.Val126fs (NM_001258464.2, NM_001258465.3, NM_001127612.3 and 10 more transcripts); c.-34del (NM_001368899.2, NM_001310160.2, NM_001310161.3 and 11 more transcripts); c.618del, p.Val207fs (NM_001368910.2); c.420del, p.Val141fs (NM_001368911.2); c.492del, p.Val165fs (NM_001368918.2, NM_001368919.2); c.450del, p.Val151fs (NM_001368920.2); c.216del, p.Val73fs (NM_001368921.2, NM_001368922.2, NM_001368923.2 and 4 more transcripts); and 1 more; short protein forms V59fs, V73fs, V126fs, V141fs, V151fs, V207fs, V165fs, V140fs.
Identifiers: ClinVar variation 1459052 (VCV001459052.6), dbSNP rs2135051167, ClinGen allele CA2573146186.
Genomic context (GRCh38, chr11:31,800,838, plus strand): 5'-GTTTATCATACATGCCGTCTGCGCCCATCTGTTGCTTTTCGCTAGCCAGGTTGCGAAGAA[CT>C]CTGTTTATTGATGACACCTGCAAATCAAACCAAAATCAAACCAAATGGTAGTGTCTCCTG-3'

ClinVar aggregate classification (germline): Pathogenic (1 of 4 stars; one submission).

Conditions:
Aniridia 1 (AN1). Identifiers: Orphanet 250923, MedGen C0344542, MONDO:0024507, OMIM 106210.
Irido-corneo-trabecular dysgenesis (ASGD5). Also called: ANTERIOR SEGMENT DYSGENESIS 5. Identifiers: Orphanet 708, MedGen C0344559, MONDO:0011414, OMIM 604229, HP:0000659.

Submission:

Labcorp Genetics (formerly Invitae), Labcorp
Classification: Pathogenic for Aniridia 1; Irido-corneo-trabecular dysgenesis. Last evaluated: 2021-07-25. Review status: criteria provided, single submitter. Criteria: Invitae Variant Classification Sherloc (09022015). Collection method: clinical testing. Allele origin: germline.
Comment: This sequence change creates a premature translational stop signal (p.Val126Phefs*21) in the PAX6 gene. It is expected to result in an absent or disrupted protein product. Loss-of-function variants in PAX6 are known to be pathogenic (PMID: 12634864). For these reasons, this variant has been classified as Pathogenic. Algorithms developed to predict the effect of sequence changes on RNA splicing suggest that this variant may create or strengthen a splice site. This variant has not been reported in the literature in individuals affected with PAX6-related conditions. This variant is not present in population databases (ExAC no frequency).

Literature cited by the submitters: PubMed 12634864.